The following is an entry in ClinVar:

ClinVar aggregate classification (germline): Uncertain significance (1 of 4 stars; one submission).

Conditions:
Axenfeld-Rieger syndrome type 3 (RIEG3). Also called: AXENFELD-RIEGER ANOMALY WITH CARDIAC DEFECTS AND/OR SENSORINEURAL HEARING LOSS. Identifiers: Orphanet 782, MedGen C2678503, MONDO:0011233, OMIM 602482.

Submission:

Labcorp Genetics (formerly Invitae), Labcorp
Classification: Uncertain significance for Axenfeld-Rieger syndrome type 3. Last evaluated: 2023-07-08. Review status: criteria provided, single submitter. Criteria: Invitae Variant Classification Sherloc (09022015). Collection method: clinical testing. Allele origin: germline.
Comment: An algorithm developed to predict the effect of missense changes on protein structure and function (PolyPhen-2) suggests that this variant is likely to be disruptive. This variant has not been reported in the literature in individuals affected with FOXC1-related conditions. This variant is not present in population databases (gnomAD no frequency). This sequence change replaces cysteine, which is neutral and slightly polar, with serine, which is neutral and polar, at codon 135 of the FOXC1 protein (p.Cys135Ser). In summary, the available evidence is currently insufficient to determine the role of this variant in disease. Therefore, it has been classified as a Variant of Uncertain Significance. This variant disrupts the p.Cys135 amino acid residue in FOXC1. Other variant(s) that disrupt this residue have been determined to be pathogenic (PMID: 18708620, 27804176). This suggests that this residue is clinically significant, and that variants that disrupt this residue are likely to be disease-causing.

Literature cited by the submitters: PubMed 18708620; PubMed 27804176.

NM_001453.3(FOXC1):c.403T>A (p.Cys135Ser)

Gene: FOXC1 (forkhead box C1; plus strand). Cytogenetic location: 6p25.3.
Variant type: single nucleotide variant.
Coding change: c.403T>A on transcript NM_001453.3 (MANE Select); coding-DNA position 403, T replaced by A.
Protein change: p.Cys135Ser; replaces cysteine 135 with serine.
Molecular consequence: missense variant.
Genome position (GRCh38, 1-based): chr6:1,610,848, T>A. VCF-style: chr6-1610848-T-A. GRCh37 (hg19) VCF-style: chr6-1611083-T-A.
Other names: short protein forms C135S.
Identifiers: ClinVar variation 2737948 (VCV002737948.3), dbSNP rs2480502498, ClinGen allele CA362558743.